The following is an entry in ClinVar:

ClinVar aggregate classification (germline): Likely pathogenic (1 of 4 stars; one submission).

Conditions:
Mucopolysaccharidosis type 1. Also called: IDUA deficiency; MPS I; Mucopolysaccharidosis Type I. Identifiers: Orphanet 579, MedGen C0023786, MONDO:0001586.

Submission:

Labcorp Genetics (formerly Invitae), Labcorp
Classification: Likely pathogenic for Mucopolysaccharidosis type 1. Last evaluated: 2024-03-04. Review status: criteria provided, single submitter. Criteria: Invitae Variant Classification Sherloc (09022015). Collection method: clinical testing. Allele origin: germline.
Comment: This sequence change falls in intron 12 of the IDUA gene. It does not directly change the encoded amino acid sequence of the IDUA protein. RNA analysis indicates that this variant induces altered splicing and may result in an absent or disrupted protein product. This variant is not present in population databases (gnomAD no frequency). This variant has been observed in individuals with mucopolysaccharidosis type I (PMID: 21394825; Invitae). ClinVar contains an entry for this variant (Variation ID: 2203499). Variants that disrupt the consensus splice site are a relatively common cause of aberrant splicing (PMID: 17576681, 9536098). Studies have shown that this variant results in skipping of exon 12 and introduces a premature termination codon (PMID: 21394825). The resulting mRNA is expected to undergo nonsense-mediated decay. In summary, the currently available evidence indicates that the variant is pathogenic, but additional data are needed to prove that conclusively. Therefore, this variant has been classified as Likely Pathogenic.

Literature cited by the submitters: PubMed 21394825; PubMed 17576681; PubMed 9536098.

NM_000203.5(IDUA):c.1727+6T>A

Gene: IDUA (alpha-L-iduronidase; plus strand). Cytogenetic location: 4p16.3.
Variant type: single nucleotide variant.
Coding change: c.1727+6T>A on transcript NM_000203.5 (MANE Select); 6 bases into the intron after coding-DNA position 1727, T replaced by A.
Molecular consequence: intron variant.
Genome position (GRCh38, 1-based): chr4:1,003,631, T>A. VCF-style: chr4-1003631-T-A. GRCh37 (hg19) VCF-style: chr4-997419-T-A.
Other names: c.1331+6T>A (NM_001363576.1).
Identifiers: ClinVar variation 2203499 (VCV002203499.3), dbSNP rs2534099860, ClinGen allele CA2580070698.